The following is an entry in ClinVar:

NM_001171.6(ABCC6):c.1413del (p.Arg473fs)

Gene: ABCC6 (ATP binding cassette subfamily C member 6; minus strand). Cytogenetic location: 16p13.11.
Variant type: Deletion.
Coding change: c.1413del on transcript NM_001171.6 (MANE Select); coding-DNA position 1413, one base deleted (G; older notation c.1413delG).
Protein change: p.Arg473fs; shifts the reading frame from arginine 473.
Molecular consequence: frameshift variant. On other transcripts: non-coding transcript variant (1).
Genome position (GRCh38, 1-based): chr16:16,192,848, C deleted on the plus strand (G on the coding strand, the reverse complement: ABCC6 is on the minus strand). VCF-style (leftmost placement, unchanged base first): chr16-16192847-TC-T. GRCh37 (hg19) VCF-style: chr16-16286704-TC-T.
Other names: c.1413delG (NM_001171.5); c.1071del, p.Arg359fs (NM_001351800.1); short protein forms R473fs, R359fs.
Identifiers: ClinVar variation 812212 (VCV000812212.5), dbSNP rs1596687174, ClinGen allele CA915946320.

ClinVar aggregate classification (germline): Pathogenic/Likely pathogenic. Review status: criteria provided, multiple submitters, no conflicts (2 of 4 stars). 3 submissions from 3 submitters: Pathogenic (1); Likely pathogenic (1). 1 of the submissions does not count toward it. Last evaluated 2023-11-28.

Conditions:
ABCC6-related disorder. Also called: ABCC6-related condition.
Autosomal recessive inherited pseudoxanthoma elasticum (PXE). Identifiers: Orphanet 758, MedGen CN032334, MONDO:0009925, OMIM 264800.

Submissions (3):

Labcorp Genetics (formerly Invitae), Labcorp
Classification: Pathogenic. Last evaluated: 2023-11-28. Review status: criteria provided, single submitter. Criteria: Invitae Variant Classification Sherloc (09022015). Collection method: clinical testing. Allele origin: germline.
Comment: This sequence change creates a premature translational stop signal (p.Arg473Glyfs*9) in the ABCC6 gene. It is expected to result in an absent or disrupted protein product. Loss-of-function variants in ABCC6 are known to be pathogenic (PMID: 11536079, 17617515). This variant is not present in population databases (gnomAD no frequency). This variant has not been reported in the literature in individuals affected with ABCC6-related conditions. ClinVar contains an entry for this variant (Variation ID: 812212). For these reasons, this variant has been classified as Pathogenic.

Blueprint Genetics
Classification: Likely pathogenic for ABCC6-related disorders. Last evaluated: 2023-10-09. Review status: criteria provided, single submitter. Criteria: ACMG Guidelines, 2015. Collection method: clinical testing. Allele origin: germline. Affected: yes. Observed: 1 variant allele.

Sharon lab, Hadassah-Hebrew University Medical Center
Classification: Pathogenic for Pseudoxanthoma elasticum. Last evaluated: 2019-06-23. Review status: no assertion criteria provided. Collection method: research. Allele origin: inherited. Affected: yes. Not counted in ClinVar's aggregate classification.

Literature cited by the submitters: PubMed 11536079 (cited by Labcorp Genetics (formerly Invitae), Labcorp); PubMed 17617515 (cited by Labcorp Genetics (formerly Invitae), Labcorp).